The following is an entry in ClinVar:

ClinVar aggregate classification (germline): Uncertain significance. Review status: criteria provided, multiple submitters, no conflicts (2 of 4 stars). 2 submissions from 2 submitters: Uncertain significance (2). Last evaluated 2025-03-31.

Conditions:
Hereditary cancer-predisposing syndrome. Also called: Hereditary neoplastic syndrome; Neoplastic Syndromes, Hereditary; Tumor predisposition; Hereditary Cancer Syndrome. Identifiers: Orphanet 140162, MedGen C0027672, MeSH D009386, MONDO:0015356.
Tuberous sclerosis 1 (TSC1). Identifiers: Orphanet 805, MedGen C1854465, MONDO:0008612, OMIM 191100.

Submissions (2):

Ambry Genetics
Classification: Uncertain significance for Hereditary cancer-predisposing syndrome. Last evaluated: 2025-03-31. Review status: criteria provided, single submitter. Criteria: Ambry Variant Classification Scheme 2023. Collection method: clinical testing. Allele origin: germline.
Comment: The p.P1082L variant (also known as c.3245C>T), located in coding exon 21 of the TSC1 gene, results from a C to T substitution at nucleotide position 3245. The proline at codon 1082 is replaced by leucine, an amino acid with similar properties. This amino acid position is highly conserved in available vertebrate species. In addition, this alteration is predicted to be deleterious by in silico analysis. Based on the available evidence, the clinical significance of this variant remains unclear.

Labcorp Genetics (formerly Invitae), Labcorp
Classification: Uncertain significance for Tuberous sclerosis 1. Last evaluated: 2024-11-27. Review status: criteria provided, single submitter. Criteria: Invitae Variant Classification Sherloc (09022015). Collection method: clinical testing. Allele origin: germline.
Comment: This sequence change replaces proline, which is neutral and non-polar, with leucine, which is neutral and non-polar, at codon 1082 of the TSC1 protein (p.Pro1082Leu). This variant is not present in population databases (gnomAD no frequency). This variant has not been reported in the literature in individuals affected with TSC1-related conditions. ClinVar contains an entry for this variant (Variation ID: 466127). Invitae Evidence Modeling of protein sequence and biophysical properties (such as structural, functional, and spatial information, amino acid conservation, physicochemical variation, residue mobility, and thermodynamic stability) indicates that this missense variant is not expected to disrupt TSC1 protein function with a negative predictive value of 95%. In summary, the available evidence is currently insufficient to determine the role of this variant in disease. Therefore, it has been classified as a Variant of Uncertain Significance.

NM_000368.5(TSC1):c.3245C>T (p.Pro1082Leu)

Gene: TSC1 (TSC complex subunit 1; minus strand). Cytogenetic location: 9q34.13.
Variant type: single nucleotide variant.
Coding change: c.3245C>T on transcript NM_000368.5 (MANE Select); coding-DNA position 3245, C replaced by T.
Protein change: p.Pro1082Leu; replaces proline 1082 with leucine.
Molecular consequence: missense variant.
Genome position (GRCh38, 1-based): chr9:132,896,485, G>A on the plus strand (C>T on the coding strand, the complement: TSC1 is on the minus strand). VCF-style: chr9-132896485-G-A. GRCh37 (hg19) VCF-style: chr9-135771872-G-A.
Other names: c.3242C>T, p.Pro1081Leu (NM_001162426.2); c.3092C>T, p.Pro1031Leu (NM_001162427.2); c.2882C>T, p.Pro961Leu (NM_001362177.2); short protein forms P1082L, P1031L, P1081L, P961L.
Identifiers: ClinVar variation 466127 (VCV000466127.14), dbSNP rs767439431, ClinGen allele CA375366879.